The following is an entry in ClinVar:

NM_021074.5(NDUFV2):c.319G>A (p.Val107Ile)

Genes: NDUFV2 (NADH:ubiquinone oxidoreductase core subunit V2; plus strand), NDUFV2-AS1 (NDUFV2 antisense RNA 1; minus strand). Cytogenetic location: 18p11.22.
Variant type: single nucleotide variant.
Coding change: c.319G>A on transcript NM_021074.5 (MANE Select); coding-DNA position 319, G replaced by A.
Protein change: p.Val107Ile; replaces valine 107 with isoleucine.
Molecular consequence: missense variant.
Genome position (GRCh38, 1-based): chr18:9,122,531, G>A. VCF-style: chr18-9122531-G-A. GRCh37 (hg19) VCF-style: chr18-9122529-G-A.
Other names: c.319G>A (NM_021074.4); short protein forms V107I.
Identifiers: ClinVar variation 1306416 (VCV001306416.4), dbSNP rs749790803, ClinGen allele CA8887185.
Genomic context (GRCh38, chr18:9,122,531, plus strand): 5'-AACACTGTAATTATCTTATTTTTAAATGTCCTAATATTTTAGGTTGCAGAAGTTTTACAA[G>A]TACCTCCAATGAGAGTATATGAAGTAGCAACTTTTTATACAATGTATAATCGAAAGCCAG-3'
Protein context (NP_066552.2, residues 97-117): AMNKVAEVLQ[Val107Ile]PPMRVYEVAT

ClinVar aggregate classification (germline): Uncertain significance. Review status: criteria provided, multiple submitters, no conflicts (2 of 4 stars). 2 submissions from 2 submitters: Uncertain significance (2). Last evaluated 2021-10-06.

Conditions:
Inborn genetic diseases. Identifiers: MedGen C0950123, MeSH D030342.

Allele frequency attached by ClinVar (database versions not stated): gnomAD exomes below 0.00001; ExAC 0.00001.
gnomAD v4.1: 21 of 1,613,570 alleles (0.0013%); highest among the groups gnomAD compares: Non-Finnish European, 0.0017%; no homozygotes.

Submissions (2):

Ambry Genetics
Classification: Uncertain significance for Inborn genetic diseases. Last evaluated: 2021-10-06. Review status: criteria provided, single submitter. Criteria: Ambry Variant Classification Scheme 2023. Collection method: clinical testing. Allele origin: germline.

GeneDx
Classification: Uncertain significance. Last evaluated: 2019-07-03. Review status: criteria provided, single submitter. Criteria: GeneDx Variant Classification Process June 2021. Collection method: clinical testing. Allele origin: germline. Affected: yes.
Comment: Not observed at a significant frequency in large population cohorts (Lek et al., 2016); In silico analysis, which includes protein predictors and evolutionary conservation, supports that this variant does not alter protein structure/function; Has not been previously published as pathogenic or benign to our knowledge